The following is an entry in ClinVar:

NM_006030.4(CACNA2D2):c.82del (p.His28fs)

Gene: CACNA2D2 (calcium voltage-gated channel auxiliary subunit alpha2delta 2; minus strand). Cytogenetic location: 3p21.31.
Variant type: Deletion.
Coding change: c.82del on transcript NM_006030.4 (MANE Select); coding-DNA position 82, one base deleted (C; older notation c.82delC).
Protein change: p.His28fs; shifts the reading frame from histidine 28.
Molecular consequence: frameshift variant. On other transcripts: intron variant (1).
Genome position (GRCh38, 1-based): chr3:50,503,342, G deleted on the plus strand (C on the coding strand, the reverse complement: CACNA2D2 is on the minus strand); the first of 5 consecutive G bases (chr3:50,503,342-50,503,346); deleting any one gives the same sequence. VCF-style (leftmost placement, unchanged base first): chr3-50503341-TG-T. GRCh37 (hg19) VCF-style: chr3-50540772-TG-T.
Other names: c.82del, p.His28fs (NM_001005505.3, NM_001174051.3, NM_001410768.1); c.-2+727del (NM_001291101.1); short protein forms H28fs.
Identifiers: ClinVar variation 2994751 (VCV002994751.3), dbSNP rs2471323989, ClinGen allele CA2577779524.

ClinVar aggregate classification (germline): Pathogenic (1 of 4 stars; one submission).

Conditions:
Early-infantile DEE. Also called: Early infantile epileptic encephalopathy with suppression bursts; Ohtahara syndrome; Early infantile epileptic encephalopathy. Identifiers: Orphanet 1934, MedGen C0393706, MONDO:0800491.

Submission:

Labcorp Genetics (formerly Invitae), Labcorp
Classification: Pathogenic for Early-infantile DEE. Last evaluated: 2025-12-01. Review status: criteria provided, single submitter. Criteria: Invitae Variant Classification Sherloc (09022015). Collection method: clinical testing. Allele origin: germline.
Comment: This sequence change creates a premature translational stop signal (p.His28Thrfs*57) in the CACNA2D2 gene. It is expected to result in an absent or disrupted protein product. Loss-of-function variants in CACNA2D2 are known to be pathogenic (PMID: 24358150). This variant is not present in population databases (gnomAD no frequency). This variant has not been reported in the literature in individuals affected with CACNA2D2-related conditions. ClinVar contains an entry for this variant (Variation ID: 2994751). For these reasons, this variant has been classified as Pathogenic.

Literature cited by the submitters: PubMed 24358150.